The following is an entry in ClinVar:

NM_001830.4(CLCN4):c.843G>A (p.Glu281=)

Gene: CLCN4 (Cl-/H+ antiporter 4; plus strand). Cytogenetic location: Xp22.2.
Variant type: single nucleotide variant.
Coding change: c.843G>A on transcript NM_001830.4 (MANE Select); coding-DNA position 843, G replaced by A.
Protein change: p.Glu281=; no amino-acid change (glutamic acid 281 retained).
Molecular consequence: synonymous variant.
Genome position (GRCh38, 1-based): chrX:10,206,776, G>A. VCF-style: chrX-10206776-G-A. GRCh37 (hg19) VCF-style: chrX-10174816-G-A.
Other names: c.843G>A (NM_001830.3); c.561G>A, p.Glu187= (NM_001256944.2).
Identifiers: ClinVar variation 4720802 (VCV004720802.2).
Genomic context (GRCh38, chrX:10,206,776, plus strand): 5'-TGCTGGAGTCTCTGTTGCCTTTGGTGCACCAATTGGAGGCGTGCTTTTCAGTCTAGAAGA[G>A]GTGAGAATGGGCAGCTGAGGGAATTCGTGATTTTGAGCAGCAAGGCCCGTTGAGGGTTAG-3'
Protein context (NP_001821.2, residues 271-291): PIGGVLFSLE[Glu281=]VSYYFPLKTL

ClinVar aggregate classification (germline): Uncertain significance. Review status: criteria provided, multiple submitters, no conflicts (2 of 4 stars). 2 submissions from 2 submitters: Uncertain significance (2). Last evaluated 2026-03-29.

Submissions (2):

GeneDx
Classification: Uncertain significance. Last evaluated: 2026-03-29. Review status: criteria provided, single submitter. Criteria: GeneDx Variant Classification Process June 2021. Collection method: clinical testing. Allele origin: germline.
Comment: Not observed at significant frequency in large population cohorts (gnomAD); Has not been previously published as pathogenic or benign to our knowledge; In silico analysis is inconclusive as to whether the variant alters gene splicing. In the absence of RNA/functional studies, the actual effect of this sequence change is unknown.

Labcorp Genetics (formerly Invitae), Labcorp
Classification: Uncertain significance. Last evaluated: 2025-06-26. Review status: criteria provided, single submitter. Criteria: Invitae Variant Classification Sherloc (09022015). Collection method: clinical testing. Allele origin: germline.
Comment: This sequence change affects codon 281 of the CLCN4 mRNA. It is a 'silent' change, meaning that it does not change the encoded amino acid sequence of the CLCN4 protein. This variant also falls at the last nucleotide of exon 8, which is part of the consensus splice site for this exon. This variant is not present in population databases (gnomAD no frequency). This variant has not been reported in the literature in individuals affected with CLCN4-related conditions. Variants that disrupt the consensus splice site are a relatively common cause of aberrant splicing (PMID: 17576681, 9536098). Algorithms developed to predict the effect of sequence changes on RNA splicing suggest that this variant may disrupt the consensus splice site. In summary, the available evidence is currently insufficient to determine the role of this variant in disease. Therefore, it has been classified as a Variant of Uncertain Significance.

Literature cited by the submitters: PubMed 17576681 (cited by Labcorp Genetics (formerly Invitae), Labcorp); PubMed 9536098 (cited by Labcorp Genetics (formerly Invitae), Labcorp).